The following is an entry in ClinVar:

ClinVar aggregate classification (germline): Benign. Review status: criteria provided, multiple submitters, no conflicts (2 of 4 stars). 4 submissions from 4 submitters: Benign (3). 1 of the submissions does not count toward it. Last evaluated 2021-05-04.

Conditions:
CABIN1-related disorder. Also called: CABIN1-related condition.

Allele frequency attached by ClinVar (database versions not stated): ExAC 0.00823; gnomAD 0.02562 and 0.02729; TOPMed 0.02883; ESP Exome Variant Server 0.03045; 1000 Genomes Project 0.03115; 1000 Genomes Project 30x 0.03342.
gnomAD v4.1: 7,594 of 1,613,362 alleles (0.47%); highest among the groups gnomAD compares: African/African-American, 8.8%; 286 homozygotes.

Submissions (4):

GeneDx
Classification: Benign. Last evaluated: 2021-05-04. Review status: criteria provided, single submitter. Criteria: GeneDx Variant Classification Process June 2021. Collection method: clinical testing. Allele origin: germline. Affected: yes.

Labcorp Genetics (formerly Invitae), Labcorp
Classification: Benign. Last evaluated: 2018-04-20. Review status: criteria provided, single submitter. Criteria: Invitae Variant Classification Sherloc (09022015). Collection method: clinical testing. Allele origin: germline.

Breakthrough Genomics
Classification: Benign. Review status: criteria provided, single submitter. Criteria: ACMG Guidelines, 2015. Collection method: not provided. Allele origin: germline. Inheritance: Unknown mechanism. Affected: yes.

PreventionGenetics, part of Exact Sciences
Classification: Benign for CABIN1-related condition. Last evaluated: 2019-02-25. Review status: no assertion criteria provided. Collection method: clinical testing. Allele origin: germline. Not counted in ClinVar's aggregate classification.
Comment: This variant is classified as benign based on ACMG/AMP sequence variant interpretation guidelines (Richards et al. 2015 PMID: 25741868, with internal and published modifications).

NM_012295.4(CABIN1):c.6327C>T (p.Ala2109=)

Gene: CABIN1 (calcineurin binding protein 1; plus strand). Cytogenetic location: 22q11.23.
Variant type: single nucleotide variant.
Coding change: c.6327C>T on transcript NM_012295.4 (MANE Select); coding-DNA position 6327, C replaced by T.
Protein change: p.Ala2109=; no amino-acid change (alanine 2109 retained).
Molecular consequence: synonymous variant.
Genome position (GRCh38, 1-based): chr22:24,177,625, C>T. VCF-style: chr22-24177625-C-T. GRCh37 (hg19) VCF-style: chr22-24573593-C-T.
Other names: c.6327C>T, p.Ala2109= (NM_001199281.1); c.6177C>T, p.Ala2059= (NM_001201429.2).
Identifiers: ClinVar variation 770473 (VCV000770473.8), dbSNP rs115707715, ClinGen allele CA10150008.